The following is an entry in ClinVar:

ClinVar aggregate classification (germline): Conflicting classifications of pathogenicity. Review status: criteria provided, conflicting classifications (1 of 4 stars). 5 submissions from 5 submitters: Uncertain significance (3); Likely benign (2). Last evaluated 2026-01-05.

Conditions:
CSF1R-related disorder. Also called: CSF1R-related condition. Identifiers: MedGen CN379780, MONDO:0100632.

Allele frequency attached by ClinVar (database versions not stated): gnomAD exomes 0.00026; ExAC 0.00027; gnomAD 0.00030 and 0.00031; ESP Exome Variant Server 0.00038; TOPMed 0.00038; 1000 Genomes Project 0.00040; 1000 Genomes Project 30x 0.00062.
gnomAD v4.1: 501 of 1,614,164 alleles (0.031%); highest among the groups gnomAD compares: Admixed American, 0.038%; no homozygotes.

Submissions (5):

Labcorp Genetics (formerly Invitae), Labcorp
Classification: Likely benign. Last evaluated: 2026-01-05. Review status: criteria provided, single submitter. Criteria: Invitae Variant Classification Sherloc (09022015). Collection method: clinical testing. Allele origin: germline.

Mayo Clinic Laboratories, Mayo Clinic
Classification: Uncertain significance. Last evaluated: 2025-12-05. Review status: criteria provided, single submitter. Criteria: ACMG Guidelines, 2015. Collection method: clinical testing. Allele origin: germline. Observed: 1 variant allele.
Comment: BP4_strong

PreventionGenetics, part of Exact Sciences
Classification: Uncertain significance for CSF1R-related condition. Last evaluated: 2025-10-21. Review status: criteria provided, single submitter. Criteria: ACMG Guidelines, 2015. Collection method: clinical testing. Allele origin: germline.
Comment: The CSF1R c.1420G>A variant is predicted to result in the amino acid substitution p.Val474Ile. This variant was reported in an individual with amyotrophic lateral sclerosis (Bartoletti-Stella et al. 2021. PubMed ID: 33770234). This variant is reported in 0.041% of alleles in individuals of European (Non-Finnish) descent in gnomAD. At this time, the clinical significance of this variant is uncertain due to the absence of conclusive functional and genetic evidence.

Blueprint Genetics
Classification: Likely benign. Last evaluated: 2024-11-13. Review status: criteria provided, single submitter. Criteria: ACMG Guidelines, 2015. Collection method: clinical testing. Allele origin: germline.

CeGaT Center for Human Genetics Tuebingen
Classification: Uncertain significance. Last evaluated: 2016-08-01. Review status: criteria provided, single submitter. Criteria: CeGaT Center For Human Genetics Tuebingen Variant Classification Criteria Version 2. Collection method: clinical testing. Allele origin: germline. Affected: yes. Observed: 1 variant allele.

Literature cited by the submitters: PubMed 33770234 (cited by Mayo Clinic Laboratories, Mayo Clinic).

NM_001288705.3(CSF1R):c.1420G>A (p.Val474Ile)

Gene: CSF1R (colony stimulating factor 1 receptor; minus strand). Cytogenetic location: 5q32.
Variant type: single nucleotide variant.
Coding change: c.1420G>A on transcript NM_001288705.3 (MANE Select); coding-DNA position 1420, G replaced by A.
Protein change: p.Val474Ile; replaces valine 474 with isoleucine.
Molecular consequence: missense variant. On other transcripts: non-coding transcript variant (2).
Genome position (GRCh38, 1-based): chr5:150,069,963, C>T on the plus strand (G>A on the coding strand, the complement: CSF1R is on the minus strand). VCF-style: chr5-150069963-C-T. GRCh37 (hg19) VCF-style: chr5-149449526-C-T.
Other names: p.Val474Ile; c.1420G>A (NM_005211.3); c.1420G>A, p.Val474Ile (NM_001349736.2, NM_001375320.1, NM_005211.4); c.976G>A, p.Val326Ile (NM_001375321.1); short protein forms V474I, V326I.
Identifiers: ClinVar variation 374570 (VCV000374570.50), dbSNP rs191994354, ClinGen allele CA3506852.